The following is an entry in ClinVar:

ClinVar aggregate classification (germline): Uncertain significance (1 of 4 stars; one submission).

Conditions:
Hereditary cancer-predisposing syndrome. Also called: Neoplastic Syndromes, Hereditary; Tumor predisposition; Hereditary Cancer Syndrome; Hereditary neoplastic syndrome. Identifiers: Orphanet 140162, MedGen C0027672, MeSH D009386, MONDO:0015356.

Submission:

Ambry Genetics
Classification: Uncertain significance for Hereditary cancer-predisposing syndrome. Last evaluated: 2025-05-29. Review status: criteria provided, single submitter. Criteria: Ambry Variant Classification Scheme 2023. Collection method: clinical testing. Allele origin: germline.
Comment: The p.E524G variant (also known as c.1571A>G), located in coding exon 12 of the POLD1 gene, results from an A to G substitution at nucleotide position 1571. The glutamic acid at codon 524 is replaced by glycine, an amino acid with similar properties. This amino acid position is conserved. In addition, this alteration is predicted to be tolerated by in silico analysis. Since supporting evidence is limited at this time, the clinical significance of this alteration remains unclear.

NM_002691.4(POLD1):c.1571A>G (p.Glu524Gly)

Gene: POLD1 (DNA polymerase delta 1, catalytic subunit; plus strand). Cytogenetic location: 19q13.33.
Variant type: single nucleotide variant.
Coding change: c.1571A>G on transcript NM_002691.4 (MANE Select); coding-DNA position 1571, A replaced by G.
Protein change: p.Glu524Gly; replaces glutamic acid 524 with glycine.
Molecular consequence: missense variant. On other transcripts: non-coding transcript variant (1).
Genome position (GRCh38, 1-based): chr19:50,407,059, A>G. VCF-style: chr19-50407059-A-G. GRCh37 (hg19) VCF-style: chr19-50910316-A-G.
Other names: c.1571A>G, p.Glu524Gly (NM_001256849.1, NM_001308632.1); short protein forms E524G.
Identifiers: ClinVar variation 1775510 (VCV001775510.3), dbSNP rs2514000082, ClinGen allele CA406980887.